The following is an entry in ClinVar:

NM_001943.5(DSG2):c.2953G>A (p.Val985Ile)

Genes: DSG2 (desmoglein 2; plus strand), DSG2-AS1 (DSG2 antisense RNA 1; minus strand). Cytogenetic location: 18q12.1.
Variant type: single nucleotide variant.
Coding change: c.2953G>A on transcript NM_001943.5 (MANE Select); coding-DNA position 2953, G replaced by A.
Protein change: p.Val985Ile; replaces valine 985 with isoleucine.
Molecular consequence: missense variant.
Genome position (GRCh38, 1-based): chr18:31,546,339, G>A. VCF-style: chr18-31546339-G-A. GRCh37 (hg19) VCF-style: chr18-29126302-G-A.
Other names: c.2953G>A (LRG_397t1); short protein forms V985I.
Identifiers: ClinVar variation 426977 (VCV000426977.18), dbSNP rs749540432, ClinGen allele CA047567.

ClinVar aggregate classification (germline): Uncertain significance. Review status: criteria provided, multiple submitters, no conflicts (2 of 4 stars). 7 submissions from 7 submitters: Uncertain significance (7). Last evaluated 2025-12-14.

Conditions:
Cardiovascular phenotype. Identifiers: MedGen CN230736.
Arrhythmogenic right ventricular dysplasia 10. Also called: Arrhythmogenic right ventricular dysplasia/cardiomyopathy, type 10; Arrhythmogenic Right Ventricular Dysplasia/Cardiomyopathy10; ARRHYTHMOGENIC RIGHT VENTRICULAR DYSPLASIA, FAMILIAL, 10. Identifiers: MedGen C1857777, MONDO:0012434, OMIM 610193.
Dilated cardiomyopathy 1BB (CMD1BB). Also called: CARDIOMYOPATHY, DILATED, 1BB, SUSCEPTIBILITY TO. Identifiers: Orphanet 154, MedGen C2752072, MONDO:0013030, OMIM 612877.
Arrhythmogenic right ventricular cardiomyopathy (ARVD). Also called: Cardiomyopathy, ARVC; Arrhythmogenic right ventricular dysplasia; Arrhythmogenic cardiomyopathy; Arrhythmogenic Right Ventricular Cardiomyopathy (ARVC). Identifiers: Orphanet 247, MedGen C0349788, MeSH D019571, MONDO:0016587. Disease mechanism: loss of function. Inheritance: Various modes of inheritance.
Cardiomyopathy (CMYO). Also called: Cardiomyopathies. Identifiers: Orphanet 167848, MedGen C0878544, MONDO:0004994, HP:0001638. Inheritance: Various modes of inheritance.

Allele frequency attached by ClinVar (database versions not stated): ExAC 0.00002; TOPMed below 0.00001; gnomAD 0.00001; gnomAD exomes 0.00001.
gnomAD v4.1: 21 of 1,612,418 alleles (0.0013%); highest among the groups gnomAD compares: Middle Eastern, 0.049%; no homozygotes.

Submissions (7):

Labcorp Genetics (formerly Invitae), Labcorp
Classification: Uncertain significance for Arrhythmogenic right ventricular dysplasia 10. Last evaluated: 2025-12-14. Review status: criteria provided, single submitter. Criteria: Invitae Variant Classification Sherloc (09022015). Collection method: clinical testing. Allele origin: germline.
Comment: This sequence change replaces valine, which is neutral and non-polar, with isoleucine, which is neutral and non-polar, at codon 985 of the DSG2 protein (p.Val985Ile). This variant is present in population databases (rs749540432, gnomAD 0.0009%). This variant has not been reported in the literature in individuals affected with DSG2-related conditions. ClinVar contains an entry for this variant (Variation ID: 426977). Invitae Evidence Modeling of protein sequence and biophysical properties (such as structural, functional, and spatial information, amino acid conservation, physicochemical variation, residue mobility, and thermodynamic stability) indicates that this missense variant is not expected to disrupt DSG2 protein function with a negative predictive value of 95%. In summary, the available evidence is currently insufficient to determine the role of this variant in disease. Therefore, it has been classified as a Variant of Uncertain Significance.

All of Us Research Program, National Institutes of Health
Classification: Uncertain significance for Arrhythmogenic right ventricular cardiomyopathy. Last evaluated: 2024-08-31. Review status: criteria provided, single submitter. Criteria: ACMG Guidelines, 2015. Collection method: clinical testing. Allele origin: germline. Inheritance: Autosomal dominant inheritance. Observed: 3 variant alleles, 3 heterozygotes.
Comment: This missense variant replaces valine with isoleucine at codon 985 of the DSG2 protein. Computational prediction suggests that this variant may not impact protein structure and function (internally defined REVEL score threshold <= 0.5, PMID: 27666373). To our knowledge, functional studies have not been reported for this variant. This variant has not been reported in individuals affected with cardiovascular disorders in the literature. This variant has been identified in 2/248354 chromosomes in the general population by the Genome Aggregation Database (gnomAD). The available evidence is insufficient to determine the role of this variant in disease conclusively. Therefore, this variant is classified as a Variant of Uncertain Significance.

This study involves interpretation of variants in research participants for the purpose of population health screening. Participant phenotype was not available at the time of variant classification. Additional details can be found in publication PMID: 35346344, PMCID: PMC8962531

Ambry Genetics
Classification: Uncertain significance for Cardiovascular phenotype. Last evaluated: 2024-04-18. Review status: criteria provided, single submitter. Criteria: Ambry Variant Classification Scheme 2023. Collection method: clinical testing. Allele origin: germline.
Comment: The p.V985I variant (also known as c.2953G>A), located in coding exon 15 of the DSG2 gene, results from a G to A substitution at nucleotide position 2953. The valine at codon 985 is replaced by isoleucine, an amino acid with highly similar properties. This amino acid position is conserved. In addition, this alteration is predicted to be tolerated by in silico analysis. Based on the available evidence, the clinical significance of this variant remains unclear.

Color Diagnostics, LLC DBA Color Health
Classification: Uncertain significance for Cardiomyopathy. Last evaluated: 2024-03-06. Review status: criteria provided, single submitter. Criteria: ACMG Guidelines, 2015. Collection method: clinical testing. Allele origin: germline.
Comment: This missense variant replaces valine with isoleucine at codon 985 of the DSG2 protein. Computational prediction suggests that this variant may not impact protein structure and function (internally defined REVEL score threshold <= 0.5, PMID: 27666373). To our knowledge, functional studies have not been reported for this variant. This variant has not been reported in individuals affected with cardiovascular disorders in the literature. This variant has been identified in 2/248354 chromosomes in the general population by the Genome Aggregation Database (gnomAD). The available evidence is insufficient to determine the role of this variant in disease conclusively. Therefore, this variant is classified as a Variant of Uncertain Significance.

GeneDx
Classification: Uncertain significance. Last evaluated: 2023-09-07. Review status: criteria provided, single submitter. Criteria: GeneDx Variant Classification Process June 2021. Collection method: clinical testing. Allele origin: germline. Affected: yes.
Comment: Not observed at significant frequency in large population cohorts (gnomAD); In silico analysis supports that this missense variant does not alter protein structure/function; Has not been previously published as pathogenic or benign to our knowledge

CHEO Genetics Diagnostic Laboratory, Children's Hospital of Eastern Ontario
Classification: Uncertain significance for Cardiomyopathy. Last evaluated: 2021-12-02. Review status: criteria provided, single submitter. Criteria: ACMG Guidelines, 2015. Collection method: clinical testing. Allele origin: germline.

Fulgent Genetics
Classification: Uncertain significance for Arrhythmogenic right ventricular dysplasia 10; Dilated cardiomyopathy 1BB. Last evaluated: 2021-08-11. Review status: criteria provided, single submitter. Criteria: ACMG Guidelines, 2015. Collection method: clinical testing. Allele origin: unknown.